The following is an entry in ClinVar:

ClinVar aggregate classification (germline): Uncertain significance (1 of 4 stars; one submission).

gnomAD v4.1: 4 of 1,612,458 alleles (0.00025%); highest among the groups gnomAD compares: African/African-American, 0.0013%; no homozygotes.

Submission:

Labcorp Genetics (formerly Invitae), Labcorp
Classification: Uncertain significance. Last evaluated: 2025-08-21. Review status: criteria provided, single submitter. Criteria: Invitae Variant Classification Sherloc (09022015). Collection method: clinical testing. Allele origin: germline.
Comment: This sequence change replaces arginine, which is basic and polar, with serine, which is neutral and polar, at codon 341 of the MPDZ protein (p.Arg341Ser). This variant is not present in population databases (gnomAD no frequency). This variant has not been reported in the literature in individuals affected with MPDZ-related conditions. ClinVar contains an entry for this variant (Variation ID: 1492562). An algorithm developed to predict the effect of missense changes on protein structure and function outputs the following: PolyPhen-2: "Benign". The serine amino acid residue is found in multiple mammalian species, which suggests that this missense change does not adversely affect protein function. In summary, the available evidence is currently insufficient to determine the role of this variant in disease. Therefore, it has been classified as a Variant of Uncertain Significance.

NM_001378778.1(MPDZ):c.1021C>A (p.Arg341Ser)

Gene: MPDZ (multiple PDZ domain crumbs cell polarity complex component; minus strand). Cytogenetic location: 9p23.
Variant type: single nucleotide variant.
Coding change: c.1021C>A on transcript NM_001378778.1 (MANE Select); coding-DNA position 1021, C replaced by A.
Protein change: p.Arg341Ser; replaces arginine 341 with serine.
Molecular consequence: missense variant.
Genome position (GRCh38, 1-based): chr9:13,219,624, G>T on the plus strand (C>A on the coding strand, the complement: MPDZ is on the minus strand). VCF-style: chr9-13219624-G-T. GRCh37 (hg19) VCF-style: chr9-13219623-G-T.
Other names: c.1021C>A, p.Arg341Ser (NM_001261406.2, NM_001261407.2, NM_001330637.2 and 14 more transcripts); short protein forms R341S.
Identifiers: ClinVar variation 1492562 (VCV001492562.6), dbSNP rs529758745, ClinGen allele CA189321705.